The following is an entry in ClinVar:

NM_020435.4(GJC2):c.1123G>A (p.Val375Ile)

Gene: GJC2 (gap junction protein gamma 2; plus strand). Cytogenetic location: 1q42.13.
Variant type: single nucleotide variant.
Coding change: c.1123G>A on transcript NM_020435.4 (MANE Select); coding-DNA position 1123, G replaced by A.
Protein change: p.Val375Ile; replaces valine 375 with isoleucine.
Molecular consequence: missense variant.
Genome position (GRCh38, 1-based): chr1:228,158,881, G>A. VCF-style: chr1-228158881-G-A. GRCh37 (hg19) VCF-style: chr1-228346582-G-A.
Other names: short protein forms V375I.
Identifiers: ClinVar variation 391572 (VCV000391572.7), dbSNP rs554468010, ClinGen allele CA16603573.

ClinVar aggregate classification (germline): Uncertain significance. Review status: criteria provided, multiple submitters, no conflicts (2 of 4 stars). 2 submissions from 2 submitters: Uncertain significance (2). Last evaluated 2023-04-15.

Conditions:
Spastic paraplegia. Identifiers: MedGen C0037772, HP:0001258.

Allele frequency attached by ClinVar (database versions not stated): gnomAD exomes 0.00010; 1000 Genomes Project 30x 0.00016; 1000 Genomes Project 0.00020; gnomAD 0.00048 and 0.00050; TOPMed 0.00048.
gnomAD v4.1: 117 of 1,488,640 alleles (0.0079%); highest among the groups gnomAD compares: African/African-American, 0.16%; no homozygotes.

Submissions (2):

Labcorp Genetics (formerly Invitae), Labcorp
Classification: Uncertain significance for Spastic paraplegia. Last evaluated: 2023-04-15. Review status: criteria provided, single submitter. Criteria: Invitae Variant Classification Sherloc (09022015). Collection method: clinical testing. Allele origin: germline.
Comment: The frequency data for this variant in the population databases is considered unreliable, as metrics indicate poor data quality at this position in the gnomAD database. This sequence change replaces valine, which is neutral and non-polar, with isoleucine, which is neutral and non-polar, at codon 375 of the GJC2 protein (p.Val375Ile). This variant has not been reported in the literature in individuals affected with GJC2-related conditions. In summary, the available evidence is currently insufficient to determine the role of this variant in disease. Therefore, it has been classified as a Variant of Uncertain Significance. Advanced modeling of protein sequence and biophysical properties (such as structural, functional, and spatial information, amino acid conservation, physicochemical variation, residue mobility, and thermodynamic stability) has been performed at Invitae for this missense variant, however the output from this modeling did not meet the statistical confidence thresholds required to predict the impact of this variant on GJC2 protein function. ClinVar contains an entry for this variant (Variation ID: 391572).

GeneDx
Classification: Uncertain significance. Last evaluated: 2016-12-20. Review status: criteria provided, single submitter. Criteria: GeneDx Variant Classification (06012015). Collection method: clinical testing. Allele origin: germline. Affected: yes.
Comment: The V375I variant in the GJC2 gene has not been reported previously as a pathogenic variant, nor as a benign variant, to our knowledge. The V375I variant was not observed at any significant frequency in the 1000 Genomes Project. The V375I variant is a conservative amino acid substitution, which is not likely to impact secondary protein structure as these residues share similar properties. This substitution occurs at a position that is not conserved. In silico analysis predicts this variant likely does not alter the protein structure/function. We interpret V375I as a variant of uncertain significance.